The following is an entry in ClinVar:

ClinVar aggregate classification (germline): Uncertain significance (1 of 4 stars; one submission).

Conditions:
Rhabdoid tumor predisposition syndrome 2 (RTPS2). Identifiers: Orphanet 231108, Orphanet 69077, MedGen C2750074, MONDO:0013224, OMIM 613325.

Submission:

Labcorp Genetics (formerly Invitae), Labcorp
Classification: Uncertain significance for Rhabdoid tumor predisposition syndrome 2. Last evaluated: 2025-12-21. Review status: criteria provided, single submitter. Criteria: Invitae Variant Classification Sherloc (09022015). Collection method: clinical testing. Allele origin: germline.
Comment: This sequence change replaces isoleucine, which is neutral and non-polar, with valine, which is neutral and non-polar, at codon 1578 of the SMARCA4 protein (p.Ile1578Val). This variant is not present in population databases (gnomAD no frequency). This variant has not been reported in the literature in individuals affected with SMARCA4-related conditions. An algorithm developed to predict the effect of missense changes on protein structure and function (PolyPhen-2) suggests that this variant is likely to be tolerated. In summary, the available evidence is currently insufficient to determine the role of this variant in disease. Therefore, it has been classified as a Variant of Uncertain Significance.

NM_003072.5(SMARCA4):c.4636A>G (p.Ile1546Val)

Gene: SMARCA4 (SWI/SNF related BAF chromatin remodeling complex subunit ATPase 4; plus strand). Cytogenetic location: 19p13.2.
Variant type: single nucleotide variant.
Coding change: c.4636A>G on transcript NM_003072.5 (MANE Select); coding-DNA position 4636, A replaced by G.
Protein change: p.Ile1546Val; replaces isoleucine 1546 with valine.
Molecular consequence: missense variant. On other transcripts: non-coding transcript variant (1).
Genome position (GRCh38, 1-based): chr19:11,059,753, A>G. VCF-style: chr19-11059753-A-G. GRCh37 (hg19) VCF-style: chr19-11170429-A-G.
Other names: c.4636A>G, p.Ile1546Val (NM_001128844.3); c.4546A>G, p.Ile1516Val (NM_001128845.2); c.4543A>G, p.Ile1515Val (NM_001128846.2); c.4537A>G, p.Ile1513Val (NM_001128847.4, NM_001374457.1); c.4534A>G, p.Ile1512Val (NM_001128848.2); c.4732A>G, p.Ile1578Val (NM_001128849.3, NM_001387283.1); c.4633A>G, p.Ile1545Val (NM_001411150.1); short protein forms I1516V, I1512V, I1578V, I1513V, I1515V, I1545V, I1546V.
Identifiers: ClinVar variation 4733786 (VCV004733786.1).